The following is an entry in ClinVar:

ClinVar aggregate classification (germline): Uncertain significance (1 of 4 stars; one submission).

Conditions:
Cardiovascular phenotype. Identifiers: MedGen CN230736.

Submission:

Ambry Genetics
Classification: Uncertain significance for Cardiovascular phenotype. Last evaluated: 2018-12-11. Review status: criteria provided, single submitter. Criteria: Ambry Variant Classification Scheme 2023. Collection method: clinical testing. Allele origin: germline.
Comment: The p.S283T variant (also known as c.848G>C), located in coding exon 7 of the RAF1 gene, results from a G to C substitution at nucleotide position 848. The serine at codon 283 is replaced by threonine, an amino acid with similar properties. This amino acid position is well conserved in available vertebrate species. In addition, this alteration is predicted to be tolerated by in silico analysis. Since supporting evidence is limited at this time, the clinical significance of this alteration remains unclear.

NM_002880.4(RAF1):c.848G>C (p.Ser283Thr)

Gene: RAF1 (Raf-1 proto-oncogene, serine/threonine kinase; minus strand). Cytogenetic location: 3p25.2.
Variant type: single nucleotide variant.
Coding change: c.848G>C on transcript NM_002880.4 (MANE Select); coding-DNA position 848, G replaced by C.
Protein change: p.Ser283Thr; replaces serine 283 with threonine.
Molecular consequence: missense variant. On other transcripts: non-coding transcript variant (3).
Genome position (GRCh38, 1-based): chr3:12,600,402, C>G on the plus strand (G>C on the coding strand, the complement: RAF1 is on the minus strand). VCF-style: chr3-12600402-C-G. GRCh37 (hg19) VCF-style: chr3-12641901-C-G.
Other names: c.908G>C, p.Ser303Thr (NM_001354689.3); c.848G>C, p.Ser283Thr (NM_001354690.3); c.605G>C, p.Ser202Thr (NM_001354691.3, NM_001354692.3); c.749G>C, p.Ser250Thr (NM_001354693.3); c.665G>C, p.Ser222Thr (NM_001354694.3); c.506G>C, p.Ser169Thr (NM_001354695.3); short protein forms S250T, S283T, S222T, S169T, S202T, S303T.
Identifiers: ClinVar variation 1763571 (VCV001763571.2), dbSNP rs1575565653, ClinGen allele CA351510076.